The following is an entry in ClinVar:

ClinVar aggregate classification (germline): Uncertain significance (1 of 4 stars; one submission).

Conditions:
Familial focal epilepsy with variable foci (FPEVF). Identifiers: Orphanet 98820, MedGen C1858477, MONDO:0020310.

Allele frequency attached by ClinVar (database versions not stated): ExAC 0.00001; gnomAD exomes 0.00001.
gnomAD v4.1: 3 of 1,614,224 alleles (0.00019%); highest among the groups gnomAD compares: Non-Finnish European, 0.00025%; no homozygotes.

Submission:

Labcorp Genetics (formerly Invitae), Labcorp
Classification: Uncertain significance for Familial focal epilepsy with variable foci. Last evaluated: 2025-03-11. Review status: criteria provided, single submitter. Criteria: Invitae Variant Classification Sherloc (09022015). Collection method: clinical testing. Allele origin: germline.
Comment: This sequence change replaces serine, which is neutral and polar, with asparagine, which is neutral and polar, at codon 646 of the DEPDC5 protein (p.Ser646Asn). The frequency data for this variant in the population databases is considered unreliable, as metrics indicate poor data quality at this position in the gnomAD database. This variant has not been reported in the literature in individuals affected with DEPDC5-related conditions. ClinVar contains an entry for this variant (Variation ID: 2080660). Experimental studies and prediction algorithms are not available or were not evaluated, and the functional significance of this variant is currently unknown. In summary, the available evidence is currently insufficient to determine the role of this variant in disease. Therefore, it has been classified as a Variant of Uncertain Significance.

NM_001242896.3(DEPDC5):c.1937G>A (p.Ser646Asn)

Gene: DEPDC5 (DEP domain containing 5, GATOR1 subcomplex subunit; plus strand). Cytogenetic location: 22q12.3.
Variant type: single nucleotide variant.
Coding change: c.1937G>A on transcript NM_001242896.3 (MANE Select); coding-DNA position 1937, G replaced by A.
Protein change: p.Ser646Asn; replaces serine 646 with asparagine.
Molecular consequence: missense variant. On other transcripts: non-coding transcript variant (4), intron variant (3).
Genome position (GRCh38, 1-based): chr22:31,821,568, G>A. VCF-style: chr22-31821568-G-A. GRCh37 (hg19) VCF-style: chr22-32217554-G-A.
Other names: c.1937G>A, p.Ser646Asn (NM_001136029.4, NM_001363852.2, NM_001364318.2 and 3 more transcripts); c.1853G>A, p.Ser618Asn (NM_001369901.1, NM_001369902.1); c.1870+2343G>A (NM_001363854.2, NM_001242897.2, NM_001364319.2); short protein forms S618N, S646N.
Identifiers: ClinVar variation 2080660 (VCV002080660.4), dbSNP rs771789860, ClinGen allele CA10196508.